The following is an entry in ClinVar:

ClinVar aggregate classification (germline): Pathogenic (1 of 4 stars; one submission).

Conditions:
Familial cancer of breast. Also called: hereditary breast carcinoma; BREAST CANCER, FAMILIAL; Hereditary breast cancer. Identifiers: Orphanet 227535, MedGen C0346153, MONDO:0016419, OMIM 114480. Disease mechanism: loss of function.

Submission:

Myriad Genetics, Inc.
Classification: Pathogenic for Familial cancer of breast. Last evaluated: 2025-09-23. Review status: criteria provided, single submitter. Criteria: Myriad Autosomal Dominant, Autosomal Recessive and X-Linked Classification Criteria (2023). Collection method: clinical testing. Allele origin: unknown.
Comment: This variant is considered pathogenic. This variant creates a frameshift predicted to result in premature protein truncation.

NM_032043.3(BRIP1):c.2485del (p.Gly830fs)

Gene: BRIP1 (BRCA1 interacting DNA helicase 1; minus strand). Cytogenetic location: 17q23.2.
Variant type: Deletion.
Coding change: c.2485del on transcript NM_032043.3 (MANE Select); coding-DNA position 2485, one base deleted (C; older notation c.2485delC).
Protein change: p.Gly830fs; shifts the reading frame from glycine 830.
Molecular consequence: frameshift variant.
Genome position (GRCh38, 1-based): chr17:61,715,958, G deleted on the plus strand (C on the coding strand, the reverse complement: BRIP1 is on the minus strand); the first of 3 consecutive G bases (chr17:61,715,958-61,715,960); deleting any one gives the same sequence. VCF-style (leftmost placement, unchanged base first): chr17-61715957-AG-A. GRCh37 (hg19) VCF-style: chr17-59793318-AG-A.
Other names: short protein forms G830fs.
Identifiers: ClinVar variation 4294276 (VCV004294276.1).